The following is an entry in ClinVar:

NM_004970.3(IGFALS):c.208G>A (p.Asp70Asn)

Gene: IGFALS (insulin like growth factor binding protein acid labile subunit; minus strand). Cytogenetic location: 16p13.3.
Variant type: single nucleotide variant.
Coding change: c.208G>A on transcript NM_004970.3 (MANE Select); coding-DNA position 208, G replaced by A.
Protein change: p.Asp70Asn; replaces aspartic acid 70 with asparagine.
Molecular consequence: missense variant. On other transcripts: non-coding transcript variant (1).
Genome position (GRCh38, 1-based): chr16:1,792,210, C>T on the plus strand (G>A on the coding strand, the complement: IGFALS is on the minus strand). VCF-style: chr16-1792210-C-T. GRCh37 (hg19) VCF-style: chr16-1842211-C-T.
Other names: c.322G>A, p.Asp108Asn (NM_001146006.2); short protein forms D108N, D70N.
Identifiers: ClinVar variation 4680969 (VCV004680969.1).

ClinVar aggregate classification (germline): Uncertain significance (1 of 4 stars; one submission).

Submission:

GeneDx
Classification: Uncertain significance. Last evaluated: 2025-06-26. Review status: criteria provided, single submitter. Criteria: GeneDx Variant Classification Process June 2021. Collection method: clinical testing. Allele origin: germline. Affected: yes.
Comment: Not observed at significant frequency in large population cohorts (gnomAD); In silico analysis suggests that this missense variant does not alter protein structure/function; Has not been previously published as pathogenic or benign to our knowledge